The following is an entry in ClinVar:

NM_000136.3(FANCC):c.1654A>C (p.Lys552Gln)

Genes: FANCC (FA complementation group C; minus strand), AOPEP (aminopeptidase O (putative); plus strand). Cytogenetic location: 9q22.32.
Variant type: single nucleotide variant.
Coding change: c.1654A>C on transcript NM_000136.3 (MANE Select); coding-DNA position 1654, A replaced by C.
Protein change: p.Lys552Gln; replaces lysine 552 with glutamine.
Molecular consequence: missense variant.
Genome position (GRCh38, 1-based): chr9:95,101,730, T>G on the plus strand (A>C on the coding strand, the complement: FANCC is on the minus strand). VCF-style: chr9-95101730-T-G. GRCh37 (hg19) VCF-style: chr9-97864012-T-G.
Other names: c.1654A>C, p.Lys552Gln (NM_001243743.2); short protein forms K552Q.
Identifiers: ClinVar variation 1389407 (VCV001389407.10), dbSNP rs2071082816, ClinGen allele CA374104264.

ClinVar aggregate classification (germline): Uncertain significance. Review status: criteria provided, multiple submitters, no conflicts (2 of 4 stars). 3 submissions from 3 submitters: Uncertain significance (3). Last evaluated 2024-10-22.

Conditions:
Hereditary cancer-predisposing syndrome. Also called: Neoplastic Syndromes, Hereditary; Tumor predisposition; Hereditary neoplastic syndrome; Hereditary Cancer Syndrome. Identifiers: Orphanet 140162, MedGen C0027672, MeSH D009386, MONDO:0015356.
Fanconi anemia (FA). Also called: Fanconi's anemia. Identifiers: Orphanet 84, MedGen C0015625, MeSH D005199, MONDO:0019391.

Allele frequency attached by ClinVar (database versions not stated): gnomAD 0.00001.
gnomAD v4.1: 18 of 1,613,972 alleles (0.0011%); highest among the groups gnomAD compares: Non-Finnish European, 0.0015%; no homozygotes.

Submissions (3):

Labcorp Genetics (formerly Invitae), Labcorp
Classification: Uncertain significance for Fanconi anemia. Last evaluated: 2024-10-22. Review status: criteria provided, single submitter. Criteria: Invitae Variant Classification Sherloc (09022015). Collection method: clinical testing. Allele origin: germline.
Comment: This sequence change replaces lysine, which is basic and polar, with glutamine, which is neutral and polar, at codon 552 of the FANCC protein (p.Lys552Gln). This variant is not present in population databases (gnomAD no frequency). This variant has not been reported in the literature in individuals affected with FANCC-related conditions. ClinVar contains an entry for this variant (Variation ID: 1389407). Invitae Evidence Modeling of protein sequence and biophysical properties (such as structural, functional, and spatial information, amino acid conservation, physicochemical variation, residue mobility, and thermodynamic stability) indicates that this missense variant is not expected to disrupt FANCC protein function with a negative predictive value of 80%. In summary, the available evidence is currently insufficient to determine the role of this variant in disease. Therefore, it has been classified as a Variant of Uncertain Significance.

GeneDx
Classification: Uncertain significance. Last evaluated: 2024-02-16. Review status: criteria provided, single submitter. Criteria: GeneDx Variant Classification Process June 2021. Collection method: clinical testing. Allele origin: germline. Affected: yes.
Comment: Not observed at significant frequency in large population cohorts (gnomAD); In silico analysis supports that this missense variant does not alter protein structure/function; Observed in an individual with breast cancer (PMID: 23028338); This variant is associated with the following publications: (PMID: Gordon2000[Book], 23028338)

Ambry Genetics
Classification: Uncertain significance for Hereditary cancer-predisposing syndrome. Last evaluated: 2023-12-31. Review status: criteria provided, single submitter. Criteria: Ambry Variant Classification Scheme 2023. Collection method: clinical testing. Allele origin: germline.
Comment: The p.K552Q variant (also known as c.1654A>C), located in coding exon 14 of the FANCC gene, results from an A to C substitution at nucleotide position 1654. The lysine at codon 552 is replaced by glutamine, an amino acid with similar properties. This alteration was identified in 1/1441 index cases from BRCA1/2 uninformative breast cancer families and in 0/464 controls (Thompson ER et al. PLoS Genet, 2012 Sep;8:e1002894). This amino acid position is not well conserved in available vertebrate species, and glutamine is the reference amino acid in other vertebrate species. In addition, this alteration is predicted to be tolerated by in silico analysis. Since supporting evidence is limited at this time, the clinical significance of this alteration remains unclear.

Literature cited by the submitters: PubMed 23028338 (cited by Ambry Genetics).